The following is an entry in ClinVar:

NM_014425.5(INVS):c.476A>G (p.Tyr159Cys)

Gene: INVS (inversin; plus strand). Cytogenetic location: 9q31.1.
Variant type: single nucleotide variant.
Coding change: c.476A>G on transcript NM_014425.5 (MANE Select); coding-DNA position 476, A replaced by G.
Protein change: p.Tyr159Cys; replaces tyrosine 159 with cysteine.
Molecular consequence: missense variant. On other transcripts: 5 prime UTR variant (1), non-coding transcript variant (1).
Genome position (GRCh38, 1-based): chr9:100,229,688, A>G. VCF-style: chr9-100229688-A-G. GRCh37 (hg19) VCF-style: chr9-102991970-A-G.
Other names: c.188A>G, p.Tyr63Cys (NM_001318381.2); c.-514A>G (NM_001318382.2); short protein forms Y63C, Y159C.
Identifiers: ClinVar variation 1370427 (VCV001370427.5), dbSNP rs2118428051, ClinGen allele CA374360393.
Genomic context (GRCh38, chr9:100,229,688, plus strand): 5'-GTTGTTATTTCGAGAACCTCTCGATTTTGCAGCAAACAGCTCTGCATTGGAGTGCCTACT[A>G]CAATAACCCTGAGCATGTGAAGCTGCTCATCAAGCATGATTCTAACATTGGGATTCCTGA-3'
Protein context (NP_055240.2, residues 149-169): KQTALHWSAY[Tyr159Cys]NNPEHVKLLI

ClinVar aggregate classification (germline): Uncertain significance (1 of 4 stars; one submission).

Conditions:
Nephronophthisis. Also called: Juvenile Nephronophthisis. Identifiers: Orphanet 655, MedGen C0687120, MONDO:0019005, HP:0000090.

Allele frequency attached by ClinVar (database versions not stated): gnomAD exomes below 0.00001.
gnomAD v4.1: 4 of 1,613,954 alleles (0.00025%); highest among the groups gnomAD compares: Non-Finnish European, 0.00034%; no homozygotes.

Submission:

Labcorp Genetics (formerly Invitae), Labcorp
Classification: Uncertain significance for Nephronophthisis. Last evaluated: 2022-02-01. Review status: criteria provided, single submitter. Criteria: Invitae Variant Classification Sherloc (09022015). Collection method: clinical testing. Allele origin: germline.
Comment: This sequence change replaces tyrosine, which is neutral and polar, with cysteine, which is neutral and slightly polar, at codon 159 of the INVS protein (p.Tyr159Cys). This variant is not present in population databases (gnomAD no frequency). This variant has not been reported in the literature in individuals affected with INVS-related conditions. Algorithms developed to predict the effect of missense changes on protein structure and function are either unavailable or do not agree on the potential impact of this missense change (SIFT: "Deleterious"; PolyPhen-2: "Probably Damaging"; Align-GVGD: "Class C0"). In summary, the available evidence is currently insufficient to determine the role of this variant in disease. Therefore, it has been classified as a Variant of Uncertain Significance.